The following is an entry in ClinVar:

NM_000051.4(ATM):c.8842A>G (p.Ile2948Val)

Genes: C11orf65 (chromosome 11 open reading frame 65; minus strand), ATM (ATM serine/threonine kinase; plus strand). Cytogenetic location: 11q22.3.
Variant type: single nucleotide variant.
Coding change: c.8842A>G on transcript NM_000051.4 (MANE Select); coding-DNA position 8842, A replaced by G.
Protein change: p.Ile2948Val; replaces isoleucine 2948 with valine.
Molecular consequence: missense variant. On other transcripts: intron variant (2).
Genome position (GRCh38, 1-based): chr11:108,354,866, A>G. VCF-style: chr11-108354866-A-G. GRCh37 (hg19) VCF-style: chr11-108225593-A-G.
Other names: c.8842A>G, p.Ile2948Val (NM_001351834.2); c.640+31054T>C (NM_001330368.2); c.695-19574T>C (NM_001351110.2); short protein forms I2948V.
Identifiers: ClinVar variation 643669 (VCV000643669.18), dbSNP rs1333760745, ClinGen allele CA382526064.

ClinVar aggregate classification (germline): Uncertain significance. Review status: criteria provided, multiple submitters, no conflicts (2 of 4 stars). 6 submissions from 6 submitters: Uncertain significance (5). 1 of the submissions does not count toward it. Last evaluated 2025-08-21.

Conditions:
Hereditary cancer-predisposing syndrome. Also called: Tumor predisposition; Hereditary neoplastic syndrome; Neoplastic Syndromes, Hereditary; Hereditary Cancer Syndrome. Identifiers: Orphanet 140162, MedGen C0027672, MeSH D009386, MONDO:0015356.
Ataxia-telangiectasia syndrome (AT). Also called: Ataxia-telangiectasia, complementation group D; AT, COMPLEMENTATION GROUP C; ATAXIA-TELANGIECTASIA, COMPLEMENTATION GROUP A; ATAXIA-TELANGIECTASIA, FRESNO VARIANT; Ataxia-telangiectasia; LOUIS-BAR SYNDROME. Identifiers: Orphanet 100, MedGen C0004135, MONDO:0008840, OMIM 208900.

Allele frequency attached by ClinVar (database versions not stated): gnomAD exomes below 0.00001.
gnomAD v4.1: 1 of 1,612,552 alleles (0.000062%); highest among the groups gnomAD compares: East Asian, 0.0022%; no homozygotes.

Submissions (6):

Quest Diagnostics Nichols Institute San Juan Capistrano
Classification: Uncertain significance. Last evaluated: 2025-08-21. Review status: criteria provided, single submitter. Criteria: Quest Diagnostics criteria. Collection method: clinical testing. Allele origin: unknown.

GeneDx
Classification: Uncertain significance. Last evaluated: 2025-03-24. Review status: criteria provided, single submitter. Criteria: GeneDx Variant Classification Process June 2021. Collection method: clinical testing. Allele origin: germline. Affected: yes.
Comment: Has not been previously published as pathogenic or benign to our knowledge; Not observed at significant frequency in large population cohorts (gnomAD); In silico analysis indicates that this missense variant does not alter protein structure/function; This variant is associated with the following publications: (PMID: 23532176)

Ambry Genetics
Classification: Uncertain significance for Hereditary cancer-predisposing syndrome. Last evaluated: 2024-07-09. Review status: criteria provided, single submitter. Criteria: Ambry Variant Classification Scheme 2023. Collection method: clinical testing. Allele origin: germline.
Comment: The p.I2948V variant (also known as c.8842A>G), located in coding exon 60 of the ATM gene, results from an A to G substitution at nucleotide position 8842. The isoleucine at codon 2948 is replaced by valine, an amino acid with highly similar properties. This amino acid position is highly conserved in available vertebrate species. In addition, the in silico prediction for this alteration is inconclusive. Based on the available evidence, the clinical significance of this variant remains unclear.

Labcorp Genetics (formerly Invitae), Labcorp
Classification: Uncertain significance for Ataxia-telangiectasia syndrome. Last evaluated: 2024-06-18. Review status: criteria provided, single submitter. Criteria: Invitae Variant Classification Sherloc (09022015). Collection method: clinical testing. Allele origin: germline.
Comment: This sequence change replaces isoleucine, which is neutral and non-polar, with valine, which is neutral and non-polar, at codon 2948 of the ATM protein (p.Ile2948Val). This variant is present in population databases (no rsID available, gnomAD 0.006%). This variant has not been reported in the literature in individuals affected with ATM-related conditions. ClinVar contains an entry for this variant (Variation ID: 643669). An algorithm developed to predict the effect of missense changes on protein structure and function (PolyPhen-2) suggests that this variant is likely to be disruptive. In summary, the available evidence is currently insufficient to determine the role of this variant in disease. Therefore, it has been classified as a Variant of Uncertain Significance.

Women's Health and Genetics/Laboratory Corporation of America, LabCorp
Classification: Uncertain significance. Last evaluated: 2022-09-25. Review status: criteria provided, single submitter. Criteria: LabCorp Variant Classification Summary - May 2015. Collection method: clinical testing. Allele origin: germline.

Natera, Inc.
Classification: Uncertain significance for Ataxia-telangiectasia. Last evaluated: 2020-01-24. Review status: no assertion criteria provided. Collection method: clinical testing. Allele origin: germline. Not counted in ClinVar's aggregate classification.